The following is an entry in ClinVar:

ClinVar aggregate classification (germline): Uncertain significance (1 of 4 stars; one submission).

Conditions:
HTR2C-related disorder. Also called: HTR2C-related condition.

gnomAD v4.1: 4 of 1,207,634 alleles (0.00033%); highest among the groups gnomAD compares: African/African-American, 0.0035%; no homozygotes.

Submission:

PreventionGenetics, part of Exact Sciences
Classification: Uncertain significance for HTR2C-related condition. Last evaluated: 2025-05-08. Review status: criteria provided, single submitter. Criteria: ACMG Guidelines, 2015. Collection method: clinical testing. Allele origin: germline.
Comment: The HTR2C c.154G>T variant is predicted to result in the amino acid substitution p.Val52Leu. To our knowledge, this variant has not been reported in the literature. This variant is reported in 0.0076% of alleles in individuals of African descent in gnomAD. At this time, the clinical significance of this variant is uncertain due to the absence of conclusive functional and genetic evidence.

NM_000868.4(HTR2C):c.154G>T (p.Val52Leu)

Gene: HTR2C (5-hydroxytryptamine receptor 2C; plus strand). Cytogenetic location: Xq23.
Variant type: single nucleotide variant.
Coding change: c.154G>T on transcript NM_000868.4 (MANE Select); coding-DNA position 154, G replaced by T.
Protein change: p.Val52Leu; replaces valine 52 with leucine.
Molecular consequence: missense variant.
Genome position (GRCh38, 1-based): chrX:114,731,412, G>T. VCF-style: chrX-114731412-G-T. GRCh37 (hg19) VCF-style: chrX-113965821-G-T.
Other names: c.154G>T, p.Val52Leu (NM_001256760.3, NM_001256761.3); short protein forms V52L.
Identifiers: ClinVar variation 4990528 (VCV004990528.1).